The following is an entry in ClinVar:

ClinVar aggregate classification (germline): Uncertain significance (1 of 4 stars; one submission).

Conditions:
Left ventricular noncompaction 1 (LVNC1). Also called: LEFT VENTRICULAR NONCOMPACTION 1 WITH OR WITHOUT CONGENITAL HEART DEFECTS. Identifiers: Orphanet 54260, MedGen C1858725, MONDO:0011403, OMIM 604169.

Allele frequency attached by ClinVar (database versions not stated): gnomAD exomes below 0.00001 and 0.00001.
gnomAD v4.1: 3 of 1,614,022 alleles (0.00019%); highest among the groups gnomAD compares: African/African-American, 0.0013%; no homozygotes.

Submission:

Labcorp Genetics (formerly Invitae), Labcorp
Classification: Uncertain significance for Left ventricular noncompaction 1. Last evaluated: 2026-01-18. Review status: criteria provided, single submitter. Criteria: Invitae Variant Classification Sherloc (09022015). Collection method: clinical testing. Allele origin: germline.
Comment: This sequence change replaces valine, which is neutral and non-polar, with methionine, which is neutral and non-polar, at codon 161 of the DTNA protein (p.Val161Met). This variant is present in population databases (no rsID available, gnomAD 0.007%). This variant has not been reported in the literature in individuals affected with DTNA-related conditions. ClinVar contains an entry for this variant (Variation ID: 953555). Invitae Evidence Modeling of protein sequence and biophysical properties (such as structural, functional, and spatial information, amino acid conservation, physicochemical variation, residue mobility, and thermodynamic stability) indicates that this missense variant is not expected to disrupt DTNA protein function with a negative predictive value of 80%. In summary, the available evidence is currently insufficient to determine the role of this variant in disease. Therefore, it has been classified as a Variant of Uncertain Significance.

NM_001386795.1(DTNA):c.481G>A (p.Val161Met)

Gene: DTNA (dystrobrevin alpha; plus strand). Cytogenetic location: 18q12.1.
Variant type: single nucleotide variant.
Coding change: c.481G>A on transcript NM_001386795.1 (MANE Select); coding-DNA position 481, G replaced by A.
Protein change: p.Val161Met; replaces valine 161 with methionine.
Molecular consequence: missense variant.
Genome position (GRCh38, 1-based): chr18:34,811,991, G>A. VCF-style: chr18-34811991-G-A. GRCh37 (hg19) VCF-style: chr18-32391955-G-A.
Other names: c.481G>A, p.Val161Met (NM_001198945.2, NM_001386753.1, NM_001386754.1 and 35 more transcripts); short protein forms V161M.
Identifiers: ClinVar variation 953555 (VCV000953555.9), dbSNP rs1302999147, ClinGen allele CA402275913.